The following is an entry in ClinVar:

NM_003079.5(SMARCE1):c.1214C>T (p.Pro405Leu)

Gene: SMARCE1 (SWI/SNF related BAF chromatin remodeling complex subunit E1; minus strand). Cytogenetic location: 17q21.2.
Variant type: single nucleotide variant.
Coding change: c.1214C>T on transcript NM_003079.5 (MANE Select); coding-DNA position 1214, C replaced by T.
Protein change: p.Pro405Leu; replaces proline 405 with leucine.
Molecular consequence: missense variant.
Genome position (GRCh38, 1-based): chr17:40,628,807, G>A on the plus strand (C>T on the coding strand, the complement: SMARCE1 is on the minus strand). VCF-style: chr17-40628807-G-A. GRCh37 (hg19) VCF-style: chr17-38785059-G-A.
Other names: short protein forms P405L.
Identifiers: ClinVar variation 1751150 (VCV001751150.2), dbSNP rs1174090833, ClinGen allele CA399360784.

ClinVar aggregate classification (germline): Uncertain significance (1 of 4 stars; one submission).

Conditions:
Hereditary cancer-predisposing syndrome. Also called: Hereditary Cancer Syndrome; Hereditary neoplastic syndrome; Neoplastic Syndromes, Hereditary; Tumor predisposition. Identifiers: Orphanet 140162, MedGen C0027672, MeSH D009386, MONDO:0015356.

Submission:

Ambry Genetics
Classification: Uncertain significance for Hereditary cancer-predisposing syndrome. Last evaluated: 2022-03-28. Review status: criteria provided, single submitter. Criteria: Ambry Variant Classification Scheme 2023. Collection method: clinical testing. Allele origin: germline.
Comment: The p.P405L variant (also known as c.1214C>T), located in coding exon 10 of the SMARCE1 gene, results from a C to T substitution at nucleotide position 1214. The proline at codon 405 is replaced by leucine, an amino acid with similar properties. This amino acid position is well conserved in available vertebrate species. In addition, this alteration is predicted to be tolerated by in silico analysis. Missense and in-frame variants in SMARCE1 are known to cause neurodevelopmental disorders; however, such associations with increased risk of meningiomas are exceedingly rare (Kosho T et al. Am J Med Genet C Semin Med Genet. 2014 Sep;166C(3):262-75; Smith JM et al. Nat Genet. 2013 Mar;45(3):295-8). Based on the supporting evidence, the association of this alteration with an increased risk of Coffin-Siris syndrome is unknown; however, the association of this alteration with meningiomas is unlikely.